The following is an entry in ClinVar:

NM_001267550.2(TTN):c.60542T>C (p.Ile20181Thr)

Genes: TTN (titin; minus strand), TTN-AS1 (TTN antisense RNA 1; plus strand). Cytogenetic location: 2q31.2.
Variant type: single nucleotide variant.
Coding change: c.60542T>C on transcript NM_001267550.2 (MANE Select); coding-DNA position 60542, T replaced by C.
Protein change: p.Ile20181Thr; replaces isoleucine 20181 with threonine.
Molecular consequence: missense variant. On other transcripts: non-coding transcript variant (1).
Genome position (GRCh38, 1-based): chr2:178,591,183, A>G on the plus strand (T>C on the coding strand, the complement: TTN is on the minus strand). VCF-style: chr2-178591183-A-G. GRCh37 (hg19) VCF-style: chr2-179455910-A-G.
Other names: c.55619T>C, p.Ile18540Thr (NM_001256850.1); c.33347T>C, p.Ile11116Thr (NM_003319.4); c.52838T>C, p.Ile17613Thr (NM_133378.4); c.33722T>C, p.Ile11241Thr (NM_133432.3); c.33923T>C, p.Ile11308Thr (NM_133437.4); short protein forms I11116T, I11241T, I11308T, I17613T, I18540T, I20181T.
Identifiers: ClinVar variation 1188843 (VCV001188843.3), dbSNP rs2154184836, ClinGen allele CA349484075.

ClinVar aggregate classification (germline): Likely pathogenic (1 of 4 stars; one submission).

Conditions:
Tip-toe gait. Also called: Toe walking. Identifiers: MedGen C0427144, HP:0030051.

Submission:

Practice for Gait Abnormalities, David Pomarino, Competency Network Toe Walking C/o Practice Pomarino
Classification: Likely pathogenic for Tip-toe gait. Last evaluated: 2020-09-11. Review status: criteria provided, single submitter. Criteria: ACMG Guidelines, 2015. Collection method: clinical testing. Allele origin: unknown. Affected: yes.
Comment: Myopathy refers to diseases that affect skeletal Muscles. These diseases attack muscle fibers, making muscles weak. Inherited myopathies are often caused by inheriting an abnormal gene mutation from a parent that causes the disease. Symptoms of congenital myopathies usually start at birth or in early childhood, but may not appear until the teen years or even later in adulthood. Congenital myopathies are somewhat unique compared with other inherited myopathies, as weakness typically affects all muscles and is often not progressive. Symptoms are: Muscle weakness, most commonly of upper arms and shoulders and thighs, muscle cramps, stiffness and spasms, fatigue with exertion and lack of energy. Our patients all walk on tiptoe, so they show similar symptoms. When we genetically test them with our toe walking panel, we find that around 90 per cent of them have a genetic variant that explains their toe walking. These can be assigned, for example, to the area of myopathies (such as variants of the COL6A3 gene), the area of hereditary neuropathies (such as variants of the KMT2C gene) or the area of metabolic diseases (such as variants of the PYGM gene). In a smaller group of patients with almost identical symptoms, no abnormality is found in the genes of our panel, but spastic paraplegia can be detected. In another small group of our toe walkers, no abnormalities can be detected in the genes analysed in our toe walking panel, nor do they suffer from spastic paraplegia, as is also the case with healthy children. In contrast to these, however, they show a tiptoe gait. These patients suffer from infantile cerebral palsy, in which toe walking can also be observed.

Literature cited by the submitters: PubMed 37091313.